The following is an entry in ClinVar:

ClinVar aggregate classification (germline): Uncertain significance (1 of 4 stars; one submission).

Conditions:
Inborn genetic diseases. Identifiers: MedGen C0950123, MeSH D030342.

gnomAD v4.1: 45 of 1,538,916 alleles (0.0029%); highest among the groups gnomAD compares: East Asian, 0.0074%; no homozygotes.

Submission:

Ambry Genetics
Classification: Uncertain significance for Inborn genetic diseases. Last evaluated: 2025-04-09. Review status: criteria provided, single submitter. Criteria: Ambry Variant Classification Scheme 2023. Collection method: clinical testing. Allele origin: germline.
Comment: The p.R423G variant (also known as c.1267C>G), located in coding exon 8 of the RUNX1 gene, results from a C to G substitution at nucleotide position 1267. The arginine at codon 423 is replaced by glycine, an amino acid with dissimilar properties. This amino acid position is highly conserved in available vertebrate species. In addition, the in silico prediction for this alteration is inconclusive. Based on the available evidence, the clinical significance of this variant remains unclear.

NM_001754.5(RUNX1):c.1267C>G (p.Arg423Gly)

Gene: RUNX1 (RUNX family transcription factor 1; minus strand). Cytogenetic location: 21q22.12.
Variant type: single nucleotide variant.
Coding change: c.1267C>G on transcript NM_001754.5 (MANE Select); coding-DNA position 1267, C replaced by G.
Protein change: p.Arg423Gly; replaces arginine 423 with glycine.
Molecular consequence: missense variant.
Genome position (GRCh38, 1-based): chr21:34,792,311, G>C on the plus strand (C>G on the coding strand, the complement: RUNX1 is on the minus strand). VCF-style: chr21-34792311-G-C. GRCh37 (hg19) VCF-style: chr21-36164608-G-C.
Other names: c.1186C>G, p.Arg396Gly (NM_001001890.3); short protein forms R396G, R423G.
Identifiers: ClinVar variation 3948824 (VCV003948824.1).